The following is an entry in ClinVar:

NM_032043.3(BRIP1):c.3128G>A (p.Ser1043Asn)

Gene: BRIP1 (BRCA1 interacting DNA helicase 1; minus strand). Cytogenetic location: 17q23.2.
Variant type: single nucleotide variant.
Coding change: c.3128G>A on transcript NM_032043.3 (MANE Select); coding-DNA position 3128, G replaced by A.
Protein change: p.Ser1043Asn; replaces serine 1043 with asparagine.
Molecular consequence: missense variant.
Genome position (GRCh38, 1-based): chr17:61,683,918, C>T on the plus strand (G>A on the coding strand, the complement: BRIP1 is on the minus strand). VCF-style: chr17-61683918-C-T. GRCh37 (hg19) VCF-style: chr17-59761279-C-T.
Other names: short protein forms S1043N.
Identifiers: ClinVar variation 461138 (VCV000461138.15), dbSNP rs1555572825, ClinGen allele CA400479634.

ClinVar aggregate classification (germline): Uncertain significance. Review status: criteria provided, multiple submitters, no conflicts (2 of 4 stars). 2 submissions from 2 submitters: Uncertain significance (2). Last evaluated 2025-06-18.

Conditions:
Hereditary cancer-predisposing syndrome. Also called: Hereditary neoplastic syndrome; Neoplastic Syndromes, Hereditary; Tumor predisposition; Hereditary Cancer Syndrome. Identifiers: Orphanet 140162, MedGen C0027672, MeSH D009386, MONDO:0015356.
Fanconi anemia complementation group J. Also called: BRIP1-Related Fanconi Anemia. Identifiers: Orphanet 84, MedGen C1836860, MONDO:0012187, OMIM 609054.
Familial cancer of breast. Also called: BREAST CANCER, FAMILIAL; hereditary breast carcinoma; Hereditary breast cancer. Identifiers: Orphanet 227535, MedGen C0346153, MONDO:0016419, OMIM 114480. Disease mechanism: loss of function.

Allele frequency attached by ClinVar (database versions not stated): gnomAD exomes below 0.00001.
gnomAD v4.1: 2 of 1,614,188 alleles (0.00012%); highest among the groups gnomAD compares: Non-Finnish European, 0.00017%; no homozygotes.

Submissions (2):

Labcorp Genetics (formerly Invitae), Labcorp
Classification: Uncertain significance for Familial cancer of breast; Fanconi anemia complementation group J. Last evaluated: 2025-06-18. Review status: criteria provided, single submitter. Criteria: Invitae Variant Classification Sherloc (09022015). Collection method: clinical testing. Allele origin: germline.
Comment: This sequence change replaces serine, which is neutral and polar, with asparagine, which is neutral and polar, at codon 1043 of the BRIP1 protein (p.Ser1043Asn). This variant is not present in population databases (gnomAD no frequency). This variant has not been reported in the literature in individuals affected with BRIP1-related conditions. ClinVar contains an entry for this variant (Variation ID: 461138). Invitae Evidence Modeling of protein sequence and biophysical properties (such as structural, functional, and spatial information, amino acid conservation, physicochemical variation, residue mobility, and thermodynamic stability) indicates that this missense variant is not expected to disrupt BRIP1 protein function with a negative predictive value of 95%. In summary, the available evidence is currently insufficient to determine the role of this variant in disease. Therefore, it has been classified as a Variant of Uncertain Significance.

Ambry Genetics
Classification: Uncertain significance for Hereditary cancer-predisposing syndrome. Last evaluated: 2025-06-08. Review status: criteria provided, single submitter. Criteria: Ambry Variant Classification Scheme 2023. Collection method: clinical testing. Allele origin: germline.
Comment: The p.S1043N variant (also known as c.3128G>A), located in coding exon 19 of the BRIP1 gene, results from a G to A substitution at nucleotide position 3128. The serine at codon 1043 is replaced by asparagine, an amino acid with highly similar properties. This amino acid position is poorly conserved in available vertebrate species. In addition, this alteration is predicted to be tolerated by in silico analysis. Since supporting evidence is limited at this time, the clinical significance of this alteration remains unclear.